The following is an entry in ClinVar:

NM_001367561.1(DOCK7):c.5219A>G (p.Asn1740Ser)

Gene: DOCK7 (dedicator of cytokinesis 7; minus strand). Cytogenetic location: 1p31.3.
Variant type: single nucleotide variant.
Coding change: c.5219A>G on transcript NM_001367561.1 (MANE Select); coding-DNA position 5219, A replaced by G.
Protein change: p.Asn1740Ser; replaces asparagine 1740 with serine.
Molecular consequence: missense variant.
Genome position (GRCh38, 1-based): chr1:62,492,846, T>C on the plus strand (A>G on the coding strand, the complement: DOCK7 is on the minus strand). VCF-style: chr1-62492846-T-C. GRCh37 (hg19) VCF-style: chr1-62958517-T-C.
Other names: c.5192A>G, p.Asn1731Ser (NM_001271999.2, NM_001330614.2); c.5099A>G, p.Asn1700Ser (NM_001272000.2, NM_001272001.2); c.5126A>G, p.Asn1709Ser (NM_033407.4); c.5192A>G (NM_001271999.1); short protein forms N1709S, N1700S, N1740S, N1731S.
Identifiers: ClinVar variation 1373762 (VCV001373762.7), dbSNP rs764324822, ClinGen allele CA885515.

ClinVar aggregate classification (germline): Uncertain significance. Review status: criteria provided, multiple submitters, no conflicts (2 of 4 stars). 2 submissions from 2 submitters: Uncertain significance (2). Last evaluated 2025-12-20.

Conditions:
Developmental and epileptic encephalopathy, 23 (DEE23). Also called: Epileptic encephalopathy, early infantile, 23. Identifiers: Orphanet 411986, MedGen C4014492, MONDO:0014371, OMIM 615859.

Allele frequency attached by ClinVar (database versions not stated): gnomAD exomes 0.00002; TOPMed 0.00002; ExAC 0.00001; gnomAD 0.00001.
gnomAD v4.1: 9 of 1,605,604 alleles (0.00056%); highest among the groups gnomAD compares: Admixed American, 0.0052%; no homozygotes.

Submissions (2):

GeneDx
Classification: Uncertain significance. Last evaluated: 2025-12-20. Review status: criteria provided, single submitter. Criteria: GeneDx Variant Classification Process June 2021. Collection method: clinical testing. Allele origin: germline. Affected: yes.
Comment: Not observed at significant frequency in large population cohorts (gnomAD); In silico analysis supports that this missense variant has a deleterious effect on protein structure/function; Has not been previously published as pathogenic or benign to our knowledge

Labcorp Genetics (formerly Invitae), Labcorp
Classification: Uncertain significance for Developmental and epileptic encephalopathy, 23. Last evaluated: 2022-04-09. Review status: criteria provided, single submitter. Criteria: Invitae Variant Classification Sherloc (09022015). Collection method: clinical testing. Allele origin: germline.
Comment: This sequence change replaces asparagine, which is neutral and polar, with serine, which is neutral and polar, at codon 1731 of the DOCK7 protein (p.Asn1731Ser). This variant is present in population databases (rs764324822, gnomAD 0.009%). This variant has not been reported in the literature in individuals affected with DOCK7-related conditions. Algorithms developed to predict the effect of missense changes on protein structure and function (SIFT, PolyPhen-2, Align-GVGD) all suggest that this variant is likely to be tolerated. In summary, the available evidence is currently insufficient to determine the role of this variant in disease. Therefore, it has been classified as a Variant of Uncertain Significance.